The following is an entry in ClinVar:

NM_006231.4(POLE):c.4216A>C (p.Met1406Leu)

Gene: POLE (DNA polymerase epsilon, catalytic subunit; minus strand). Cytogenetic location: 12q24.33.
Variant type: single nucleotide variant.
Coding change: c.4216A>C on transcript NM_006231.4 (MANE Select); coding-DNA position 4216, A replaced by C.
Protein change: p.Met1406Leu; replaces methionine 1406 with leucine.
Molecular consequence: missense variant.
Genome position (GRCh38, 1-based): chr12:132,643,911, T>G on the plus strand (A>C on the coding strand, the complement: POLE is on the minus strand). VCF-style: chr12-132643911-T-G. GRCh37 (hg19) VCF-style: chr12-133220497-T-G.
Other names: short protein forms M1406L.
Identifiers: ClinVar variation 3422191 (VCV003422191.1).
Genomic context (GRCh38, chr12:132,643,911, plus strand): 5'-CGCCCTCGATGTCTGGCGCTGACAGCTCAGCGTTGATCTCGTTGATGTGTTCCTGGTACA[T>G]GTCCTCTGGCACTGAATACTCATAGAGATTGTAGACCATGTTGGAGCGAGGAAGGACCCG-3'
Protein context (NP_006222.2, residues 1396-1416): NLYEYSVPED[Met1406Leu]YQEHINEINA

ClinVar aggregate classification (germline): Uncertain significance (1 of 4 stars; one submission).

Conditions:
Hereditary cancer-predisposing syndrome. Also called: Neoplastic Syndromes, Hereditary; Tumor predisposition; Hereditary Cancer Syndrome; Hereditary neoplastic syndrome. Identifiers: Orphanet 140162, MedGen C0027672, MeSH D009386, MONDO:0015356.

Submission:

Ambry Genetics
Classification: Uncertain significance for Hereditary cancer-predisposing syndrome. Last evaluated: 2024-10-13. Review status: criteria provided, single submitter. Criteria: Ambry Variant Classification Scheme 2023. Collection method: clinical testing. Allele origin: germline.
Comment: The p.M1406L variant (also known as c.4216A>C), located in coding exon 33 of the POLE gene, results from an A to C substitution at nucleotide position 4216. The methionine at codon 1406 is replaced by leucine, an amino acid with highly similar properties. This amino acid position is conserved. In addition, this alteration is predicted to be tolerated by in silico analysis. Based on the available evidence, the clinical significance of this variant remains unclear.